The following is an entry in ClinVar:

ClinVar aggregate classification (germline): Benign/Likely benign. Review status: criteria provided, multiple submitters, no conflicts (2 of 4 stars). 8 submissions from 8 submitters: Benign (2); Likely benign (6). Last evaluated 2026-02-02.

Conditions:
Brittle cornea syndrome 1 (BCS1). Also called: Corneal fragility keratoglobus, blue sclerae AND joint hypermobility; FRAGILITAS OCULI WITH JOINT HYPEREXTENSIBILITY; DYSGENESIS MESODERMALIS CORNEAE ET SCLERAE; CORNEAL FRAGILITY, KERATOGLOBUS, BLUE SCLERAE, JOINT HYPEREXTENSIBILITY; EDS6B. Identifiers: Orphanet 90354, MedGen C0268344, MONDO:0024543, OMIM 229200.
Cardiovascular phenotype. Identifiers: MedGen CN230736.

Allele frequency attached by ClinVar (database versions not stated): gnomAD exomes 0.00035 and 0.00056; ExAC 0.00114; gnomAD 0.00208 and 0.00229; 1000 Genomes Project 30x 0.00219; 1000 Genomes Project 0.00240; TOPMed 0.00246; ESP Exome Variant Server 0.00350.
gnomAD v4.1: 825 of 1,550,286 alleles (0.053%); highest among the groups gnomAD compares: African/African-American, 0.67%; 3 homozygotes.

Submissions (8):

Labcorp Genetics (formerly Invitae), Labcorp
Classification: Benign. Last evaluated: 2026-02-02. Review status: criteria provided, single submitter. Criteria: Invitae Variant Classification Sherloc (09022015). Collection method: clinical testing. Allele origin: germline.

Mayo Clinic Laboratories, Mayo Clinic
Classification: Likely benign. Last evaluated: 2025-03-10. Review status: criteria provided, single submitter. Criteria: ACMG Guidelines, 2015. Collection method: clinical testing. Allele origin: germline. Observed: 1 variant allele.
Comment: BS1, BP4, BP7

CeGaT Center for Human Genetics Tuebingen
Classification: Likely benign. Last evaluated: 2024-12-01. Review status: criteria provided, single submitter. Criteria: CeGaT Center For Human Genetics Tuebingen Variant Classification Criteria Version 2. Collection method: clinical testing. Allele origin: germline. Affected: yes. Observed: 1 variant allele.
Comment: ZNF469: BP4, BP7

Women's Health and Genetics/Laboratory Corporation of America, LabCorp
Classification: Likely benign. Last evaluated: 2024-11-19. Review status: criteria provided, single submitter. Criteria: LabCorp Variant Classification Summary - May 2015. Collection method: clinical testing. Allele origin: germline.

Blueprint Genetics
Classification: Likely benign. Last evaluated: 2024-09-12. Review status: criteria provided, single submitter. Criteria: ACMG Guidelines, 2015. Collection method: clinical testing. Allele origin: germline.

Genome-Nilou Lab
Classification: Benign for Brittle cornea syndrome 1. Last evaluated: 2021-12-05. Review status: criteria provided, single submitter. Criteria: ACMG Guidelines, 2015. Collection method: clinical testing. Allele origin: germline. Affected: no.

Ambry Genetics
Classification: Likely benign for Cardiovascular phenotype. Last evaluated: 2019-11-20. Review status: criteria provided, single submitter. Criteria: Ambry Variant Classification Scheme 2023. Collection method: clinical testing. Allele origin: germline.

GeneDx
Classification: Likely benign. Last evaluated: 2018-02-07. Review status: criteria provided, single submitter. Criteria: GeneDx Variant Classification (06012015). Collection method: clinical testing. Allele origin: germline. Affected: yes.
Comment: This variant is considered likely benign or benign based on one or more of the following criteria: it is a conservative change, it occurs at a poorly conserved position in the protein, it is predicted to be benign by multiple in silico algorithms, and/or has population frequency not consistent with disease.

NM_001367624.2(ZNF469):c.6036G>A (p.Thr2012=)

Gene: ZNF469 (zinc finger protein 469; plus strand). Cytogenetic location: 16q24.2.
Variant type: single nucleotide variant.
Coding change: c.6036G>A on transcript NM_001367624.2 (MANE Select); coding-DNA position 6036, G replaced by A.
Protein change: p.Thr2012=; no amino-acid change (threonine 2012 retained).
Molecular consequence: synonymous variant.
Genome position (GRCh38, 1-based): chr16:88,433,506, G>A. VCF-style: chr16-88433506-G-A. GRCh37 (hg19) VCF-style: chr16-88499914-G-A.
Other names: NM_001127464.1:c.5952G>A; p.Thr2012=.
Identifiers: ClinVar variation 506438 (VCV000506438.28), dbSNP rs149961653, ClinGen allele CA8225122.